The following is an entry in ClinVar:

ClinVar aggregate classification (germline): Likely benign. Review status: criteria provided, multiple submitters, no conflicts (2 of 4 stars). 2 submissions from 2 submitters: Likely benign (2). Last evaluated 2026-02-01.

Allele frequency attached by ClinVar (database versions not stated): 1000 Genomes Project 30x 0.00094; 1000 Genomes Project 0.00100; ESP Exome Variant Server 0.00131.
gnomAD v4.1: 1,982 of 1,613,646 alleles (0.12%); highest among the groups gnomAD compares: Non-Finnish European, 0.14%; no homozygotes.

Submissions (2):

CeGaT Center for Human Genetics Tuebingen
Classification: Likely benign. Last evaluated: 2026-02-01. Review status: criteria provided, single submitter. Criteria: CeGaT Center For Human Genetics Tuebingen Variant Classification Criteria Version 2. Collection method: clinical testing. Allele origin: germline. Affected: yes. Observed: 2 variant alleles.
Comment: ATXN1: BS1

Blueprint Genetics
Classification: Likely benign. Last evaluated: 2024-11-19. Review status: criteria provided, single submitter. Criteria: ACMG Guidelines, 2015. Collection method: clinical testing. Allele origin: germline.

NM_001128164.2(ATXN1):c.267G>T (p.Pro89=)

Gene: ATXN1 (ataxin 1; minus strand). Cytogenetic location: 6p22.3.
Variant type: single nucleotide variant.
Coding change: c.267G>T on transcript NM_001128164.2 (MANE Select); coding-DNA position 267, G replaced by T.
Protein change: p.Pro89=; no amino-acid change (proline 89 retained).
Molecular consequence: synonymous variant. On other transcripts: missense variant (1).
Genome position (GRCh38, 1-based): chr6:16,328,044, C>A on the plus strand (G>T on the coding strand, the complement: ATXN1 is on the minus strand). VCF-style: chr6-16328044-C-A. GRCh37 (hg19) VCF-style: chr6-16328275-C-A.
Other names: c.267G>T, p.Pro89= (NM_000332.4); c.238G>T, p.Ala80Ser (NM_001357857.2); short protein forms A80S.
Identifiers: ClinVar variation 2656253 (VCV002656253.25), dbSNP rs146853248, ClinGen allele CA3645678.